The following is an entry in ClinVar:

ClinVar aggregate classification (germline): Uncertain significance (1 of 4 stars; one submission).

gnomAD v4.1: 3 of 1,402,096 alleles (0.00021%); highest among the groups gnomAD compares: Admixed American, 0.003%; no homozygotes.

Submission:

Ambry Genetics
Classification: Uncertain significance. Last evaluated: 2024-12-20. Review status: criteria provided, single submitter. Criteria: Ambry Variant Classification Scheme 2023. Collection method: clinical testing. Allele origin: germline.
Comment: The p.S5F variant (also known as c.14C>T), located in coding exon 1 of the ATRIP gene, results from a C to T substitution at nucleotide position 14. The serine at codon 5 is replaced by phenylalanine, an amino acid with highly dissimilar properties. This amino acid position is conserved. In addition, this alteration is predicted to be tolerated by in silico analysis. Based on the available evidence, the clinical significance of this variant remains unclear.

NM_130384.3(ATRIP):c.14C>T (p.Ser5Phe)

Genes: ATRIP (ATR interacting protein; plus strand), ATRIP-TREX1 (ATRIP-TREX1 readthrough; plus strand), LOC129936703 (ATAC-STARR-seq lymphoblastoid silent region 14331; plus strand). Cytogenetic location: 3p21.31.
Variant type: single nucleotide variant.
Coding change: c.14C>T on transcript NM_130384.3 (MANE Select); coding-DNA position 14, C replaced by T.
Protein change: p.Ser5Phe; replaces serine 5 with phenylalanine.
Molecular consequence: missense variant. On other transcripts: non-coding transcript variant (1), intron variant (1).
Genome position (GRCh38, 1-based): chr3:48,446,859, C>T. VCF-style: chr3-48446859-C-T. GRCh37 (hg19) VCF-style: chr3-48488263-C-T.
Other names: c.14C>T, p.Ser5Phe (NM_032166.4); c.-218+60C>T (NM_001271022.2); short protein forms S5F.
Identifiers: ClinVar variation 3809196 (VCV003809196.1).
Genomic context (GRCh38, chr3:48,446,859, plus strand): 5'-GGCAAGTCTAGCTCGGCGCTGTCGGATACTTGGGGTGAGCGGAAAGCATGGCGGGGACCT[C>T]CGCGCCAGGCAGCAAGAGGCGGAGCGAGCCCCCGGCGCCTCGCCCCGGCCCGCCGCCGGG-3'
Protein context (NP_569055.1, residues 1-15): MAGT[Ser5Phe]APGSKRRSEP